The following is an entry in ClinVar:

NM_001366385.1(CARD14):c.1874_1886del (p.Pro625fs)

Genes: SGSH (N-sulfoglucosamine sulfohydrolase; minus strand), CARD14 (caspase recruitment domain family member 14; plus strand). Cytogenetic location: 17q25.3.
Variant type: Deletion.
Coding change: c.1874_1886del on transcript NM_001366385.1 (MANE Select); coding-DNA positions 1874 to 1886, 13 bases deleted (CCTTGTTCAAGGC).
Protein change: p.Pro625fs; shifts the reading frame from proline 625.
Molecular consequence: frameshift variant. On other transcripts: non-coding transcript variant (1).
Genome position (GRCh38, 1-based): chr17:80,201,766-80,201,778, CCTTGTTCAAGGC deleted; deleting any 13 consecutive bases within chr17:80,201,764-80,201,778 gives the same sequence; the c. name uses the placement nearest the transcript's 3' end. VCF-style (leftmost placement, unchanged base first): chr17-80201763-AGCCCTTGTTCAAG-A. GRCh37 (hg19) VCF-style: chr17-78175562-AGCCCTTGTTCAAG-A.
Other names: c.1874_1886del, p.Pro625fs (NM_001257970.1, NM_024110.4); short protein forms P625fs.
Identifiers: ClinVar variation 4792567 (VCV004792567.1).

ClinVar aggregate classification (germline): Uncertain significance (1 of 4 stars; one submission).

Conditions:
Pityriasis rubra pilaris (PRP). Also called: Pityriasis rubra pilaris--familial type. Identifiers: Orphanet 2897, MedGen C0032027, MONDO:0100017, OMIM 173200, MONDO:0008251.
Psoriasis 2. Identifiers: MedGen C1864497, MONDO:0011269, OMIM 602723.

Submission:

Labcorp Genetics (formerly Invitae), Labcorp
Classification: Uncertain significance for Pityriasis rubra pilaris; Psoriasis 2. Last evaluated: 2025-08-30. Review status: criteria provided, single submitter. Criteria: Invitae Variant Classification Sherloc (09022015). Collection method: clinical testing. Allele origin: germline.
Comment: This sequence change creates a premature translational stop signal (p.Pro625Glnfs*26) in the CARD14 gene. It is expected to result in an absent or disrupted protein product. However, the current clinical and genetic evidence is not sufficient to establish whether loss-of-function variants in CARD14 cause disease. This variant is not present in population databases (gnomAD no frequency). This variant has not been reported in the literature in individuals affected with CARD14-related conditions. In summary, the available evidence is currently insufficient to determine the role of this variant in disease. Therefore, it has been classified as a Variant of Uncertain Significance.